The following is an entry in ClinVar:

NM_000051.4(ATM):c.6006+3A>C

Genes: ATM (ATM serine/threonine kinase; plus strand), C11orf65 (chromosome 11 open reading frame 65; minus strand). Cytogenetic location: 11q22.3.
Variant type: single nucleotide variant.
Coding change: c.6006+3A>C on transcript NM_000051.4 (MANE Select); 3 bases into the intron after coding-DNA position 6006, A replaced by C.
Molecular consequence: intron variant.
Genome position (GRCh38, 1-based): chr11:108,312,501, A>C. VCF-style: chr11-108312501-A-C. GRCh37 (hg19) VCF-style: chr11-108183228-A-C.
Other names: c.6006+3A>C (NM_000051.3, NM_001351834.2); c.641-3430T>G (NM_001330368.2); c.*39-3430T>G (NM_001351110.2).
Identifiers: ClinVar variation 3015284 (VCV003015284.5), dbSNP rs2547054583, ClinGen allele CA2740093207.

ClinVar aggregate classification (germline): Conflicting classifications of pathogenicity. Review status: criteria provided, conflicting classifications (1 of 4 stars). 3 submissions from 3 submitters: Likely pathogenic (1); Uncertain significance (2). Last evaluated 2026-02-10.

Conditions:
Ataxia-telangiectasia syndrome (AT). Also called: ATAXIA-TELANGIECTASIA, COMPLEMENTATION GROUP A; ATAXIA-TELANGIECTASIA, FRESNO VARIANT; Ataxia-telangiectasia; Ataxia-telangiectasia, complementation group E; LOUIS-BAR SYNDROME; Cerebello-oculocutaneous telangiectasia. Identifiers: Orphanet 100, MedGen C0004135, MONDO:0008840, OMIM 208900.
Hereditary cancer-predisposing syndrome. Also called: Tumor predisposition; Hereditary Cancer Syndrome; Hereditary neoplastic syndrome; Neoplastic Syndromes, Hereditary. Identifiers: Orphanet 140162, MedGen C0027672, MeSH D009386, MONDO:0015356.

Submissions (3):

Ambry Genetics
Classification: Likely pathogenic for Hereditary cancer-predisposing syndrome. Last evaluated: 2026-02-10. Review status: criteria provided, single submitter. Criteria: Ambry Variant Classification Scheme 2023. Collection method: clinical testing. Allele origin: germline.
Comment: The c.6006+3A>C intronic variant results from an A to C substitution 3 nucleotides after coding exon 39 in the ATM gene. This nucleotide position is highly conserved in available vertebrate species. In silico splice site analysis predicts that this alteration will weaken the native splice donor site. RNA studies have demonstrated that this variant results in abnormal splicing in the set of samples tested (Ambry internal data). This variant is considered to be rare based on population cohorts in the Genome Aggregation Database (gnomAD). Based on the majority of available evidence to date, this variant is likely to be pathogenic.

Labcorp Genetics (formerly Invitae), Labcorp
Classification: Uncertain significance for Ataxia-telangiectasia syndrome. Last evaluated: 2025-12-10. Review status: criteria provided, single submitter. Criteria: Invitae Variant Classification Sherloc (09022015). Collection method: clinical testing. Allele origin: germline.
Comment: This sequence change falls in intron 40 of the ATM gene. It does not directly change the encoded amino acid sequence of the ATM protein. It affects a nucleotide within the consensus splice site. This variant is not present in population databases (gnomAD no frequency). This variant has not been reported in the literature in individuals affected with ATM-related conditions. ClinVar contains an entry for this variant (Variation ID: 3015284). Variants that disrupt the consensus splice site are a relatively common cause of aberrant splicing (PMID: 17576681, 9536098). Algorithms developed to predict the effect of sequence changes on RNA splicing suggest that this variant may disrupt the consensus splice site. In summary, the available evidence is currently insufficient to determine the role of this variant in disease. Therefore, it has been classified as a Variant of Uncertain Significance.

Color Diagnostics, LLC DBA Color Health
Classification: Uncertain significance for Hereditary cancer-predisposing syndrome. Last evaluated: 2025-07-28. Review status: criteria provided, single submitter. Criteria: ACMG Guidelines, 2015. Collection method: clinical testing. Allele origin: germline.
Comment: This variant causes an A to C nucleotide substitution at the +3 position of intron 40 of the ATM gene. Splice site prediction tools predict that this variant may have a significant impact on RNA splicing. To our knowledge, functional studies have not been reported for this variant. This variant has not been reported in individuals affected with ATM-related disorders in the literature. This variant has not been identified in the general population by the Genome Aggregation Database (gnomAD). The available evidence is insufficient to determine the role of this variant in disease conclusively. Therefore, this variant is classified as a Variant of Uncertain Significance.

Literature cited by the submitters: PubMed 17576681 (cited by Labcorp Genetics (formerly Invitae), Labcorp); PubMed 9536098 (cited by Labcorp Genetics (formerly Invitae), Labcorp).